The following is an entry in ClinVar:

NC_000016.9:g.(?_2089925)_(2104451_?)del

Genes: NTHL1 (nth like DNA glycosylase 1; minus strand), TSC2 (TSC complex subunit 2; plus strand). Cytogenetic location: 16p13.3.
Variant type: Deletion.
Identifiers: ClinVar variation 1454268 (VCV001454268.39).

ClinVar aggregate classification (germline): Pathogenic (1 of 4 stars; one submission).

Conditions:
Tuberous sclerosis 2 (TSC2). Identifiers: Orphanet 805, MedGen C1860707, MONDO:0013199, OMIM 613254.

Submission:

Labcorp Genetics (formerly Invitae), Labcorp
Classification: Pathogenic for Tuberous sclerosis 2. Last evaluated: 2021-05-04. Review status: criteria provided, single submitter. Criteria: Invitae Variant Classification Sherloc (09022015). Collection method: clinical testing. Allele origin: germline.
Comment: For these reasons, this variant has been classified as Pathogenic. Similar deletion(s) have been observed in individual(s) with clinical features of tuberous sclerosis complex (PMID: 17287951). This variant is a gross deletion of the genomic region encompassing exon(s) 1-5 of the TSC2 gene, which includes the initiator codon. The 5' end of this event is unknown as it extends beyond the assayed region for this gene and therefore may encompass additional genes. The 3' boundary is likely confined to intron 5 of the TSC2 gene. It is expected to result in an absent or disrupted protein product. Loss-of-function variants in TSC2 are known to be pathogenic (PMID: 10205261, 17304050).

Literature cited by the submitters: PubMed 17287951; PubMed 10205261; PubMed 17304050.